The following is an entry in ClinVar:

ClinVar aggregate classification (germline): Uncertain significance (1 of 4 stars; one submission).

Submission:

Labcorp Genetics (formerly Invitae), Labcorp
Classification: Uncertain significance. Last evaluated: 2023-09-10. Review status: criteria provided, single submitter. Criteria: Invitae Variant Classification Sherloc (09022015). Collection method: clinical testing. Allele origin: germline.
Comment: This sequence change replaces glycine, which is neutral and non-polar, with valine, which is neutral and non-polar, at codon 909 of the COL4A4 protein (p.Gly909Val). This variant is not present in population databases (gnomAD no frequency). This variant has not been reported in the literature in individuals affected with COL4A4-related conditions. Advanced modeling of protein sequence and biophysical properties (such as structural, functional, and spatial information, amino acid conservation, physicochemical variation, residue mobility, and thermodynamic stability) performed at Invitae indicates that this missense variant is expected to disrupt COL4A4 protein function. In summary, the available evidence is currently insufficient to determine the role of this variant in disease. Therefore, it has been classified as a Variant of Uncertain Significance.

NM_000092.5(COL4A4):c.2726G>T (p.Gly909Val)

Gene: COL4A4 (collagen type IV alpha 4 chain; minus strand). Cytogenetic location: 2q36.3.
Variant type: single nucleotide variant.
Coding change: c.2726G>T on transcript NM_000092.5 (MANE Select); coding-DNA position 2726, G replaced by T.
Protein change: p.Gly909Val; replaces glycine 909 with valine.
Molecular consequence: missense variant.
Genome position (GRCh38, 1-based): chr2:227,054,728, C>A on the plus strand (G>T on the coding strand, the complement: COL4A4 is on the minus strand). VCF-style: chr2-227054728-C-A. GRCh37 (hg19) VCF-style: chr2-227919444-C-A.
Other names: short protein forms G909V.
Identifiers: ClinVar variation 2759746 (VCV002759746.3), dbSNP rs2150221180, ClinGen allele CA350840383.